The following is an entry in ClinVar:

NM_001370259.2(MEN1):c.1826G>A (p.Gly609Asp)

Gene: MEN1 (menin 1; minus strand). Cytogenetic location: 11q13.1.
Variant type: single nucleotide variant.
Coding change: c.1826G>A on transcript NM_001370259.2 (MANE Select); coding-DNA position 1826, G replaced by A.
Protein change: p.Gly609Asp; replaces glycine 609 with aspartic acid.
Molecular consequence: missense variant. On other transcripts: non-coding transcript variant (4).
Genome position (GRCh38, 1-based): chr11:64,804,341, C>T on the plus strand (G>A on the coding strand, the complement: MEN1 is on the minus strand). VCF-style: chr11-64804341-C-T. GRCh37 (hg19) VCF-style: chr11-64571813-C-T.
Other names: c.1847G>A, p.Gly616Asp (NM_001407151.1); c.1661G>A, p.Gly554Asp (NM_001407152.1); c.1826G>A, p.Gly609Asp (NM_130799.3, NM_001370260.2, NM_001370261.2 and 2 more transcripts); c.1841G>A, p.Gly614Asp (NM_130800.3, NM_130801.3, NM_130802.3 and 4 more transcripts); c.1952G>A, p.Gly651Asp (NM_001370251.2, NM_001407142.1, NM_001407143.1 and 1 more transcripts); c.1721G>A, p.Gly574Asp (NM_001370262.2, NM_001370263.2, NM_001407148.1 and 1 more transcripts); c.1967G>A, p.Gly656Asp (NM_001407150.1); short protein forms G554D, G574D, G609D, G614D, G616D, G651D, G656D.
Identifiers: ClinVar variation 4800410 (VCV004800410.1).

ClinVar aggregate classification (germline): Uncertain significance (1 of 4 stars; one submission).

Conditions:
Multiple endocrine neoplasia, type 1 (MEN1). Also called: MEA I; MEN I; WERMER SYNDROME; Endocrine adenomatosis multiple; MEN 1. Identifiers: Orphanet 652, MedGen C0025267, MeSH D018761, MONDO:0007540, OMIM 131100.

Submission:

Labcorp Genetics (formerly Invitae), Labcorp
Classification: Uncertain significance for Multiple endocrine neoplasia, type 1. Last evaluated: 2025-09-24. Review status: criteria provided, single submitter. Criteria: Invitae Variant Classification Sherloc (09022015). Collection method: clinical testing. Allele origin: germline.
Comment: This sequence change replaces glycine, which is neutral and non-polar, with aspartic acid, which is acidic and polar, at codon 609 of the MEN1 protein (p.Gly609Asp). This variant is not present in population databases (gnomAD no frequency). This variant has not been reported in the literature in individuals affected with MEN1-related conditions. Invitae Evidence Modeling of protein sequence and biophysical properties (such as structural, functional, and spatial information, amino acid conservation, physicochemical variation, residue mobility, and thermodynamic stability) has been performed for this missense variant. However, the output from this modeling did not meet the statistical confidence thresholds required to predict the impact of this variant on MEN1 protein function. In summary, the available evidence is currently insufficient to determine the role of this variant in disease. Therefore, it has been classified as a Variant of Uncertain Significance.